The following is an entry in ClinVar:

NM_000041.4(APOE):c.-24+82G>A

Gene: APOE (apolipoprotein E; plus strand). Cytogenetic location: 19q13.32.
Variant type: single nucleotide variant.
Coding change: c.-24+82G>A on transcript NM_000041.4 (MANE Select); 82 bases into the intron after 24 bases upstream of the start codon, G replaced by A.
Molecular consequence: intron variant. On other transcripts: missense variant (1).
Genome position (GRCh38, 1-based): chr19:44,905,923, G>A. VCF-style: chr19-44905923-G-A. GRCh37 (hg19) VCF-style: chr19-45409180-G-A.
Other names: c.55G>A, p.Asp19Asn (NM_001302688.2); c.-39+82G>A (NM_001302691.2); short protein forms D19N.
Identifiers: ClinVar variation 1722323 (VCV001722323.4), dbSNP rs563571689, ClinGen allele CA9505909.

ClinVar aggregate classification (germline): Conflicting classifications of pathogenicity. Review status: criteria provided, conflicting classifications (1 of 4 stars). 3 submissions from 3 submitters: Uncertain significance (1); Likely benign (1). 1 of the submissions does not count toward it. Last evaluated 2022-06-24.

Conditions:
Familial type 3 hyperlipoproteinemia. Also called: Hyperlipoproteinemia type 3; Hyperlipoproteinemia type III; Dysbetalipoproteinemia; Familial dysbetalipoproteinemia; Broad beta disease; Remnant removal disease. Identifiers: Orphanet 412, MedGen C0020479, MONDO:0018473, OMIM 617347.
Alzheimer disease 2 (AD2). Also called: ALZHEIMER DISEASE 2, LATE-ONSET; ALZHEIMER DISEASE ASSOCIATED WITH APOE4. Identifiers: Orphanet 1020, MedGen C1863051, MONDO:0007089, OMIM 104310.
APOE-related disorder. Also called: APOE-related condition.

Allele frequency attached by ClinVar (database versions not stated): 1000 Genomes Project 0.00020; 1000 Genomes Project 30x 0.00047; gnomAD 0.00058; gnomAD exomes 0.00062; TOPMed 0.00063; ExAC 0.00114.
gnomAD v4.1: 806 of 1,296,208 alleles (0.062%); highest among the groups gnomAD compares: Non-Finnish European, 0.065%; no homozygotes.

Submissions (3):

Victorian Clinical Genetics Services, Murdoch Childrens Research Institute
Classification: Likely benign for Familial type 3 hyperlipoproteinemia. Last evaluated: 2022-06-24. Review status: criteria provided, single submitter. Criteria: ACMG Guidelines, 2015. Collection method: clinical testing. Allele origin: germline.
Comment: Based on the classification scheme VCGS_Germline_v1.3.4, this variant is classified as Likely benign. Following criteria are met: 0103 - Gain of function and loss of function are likely mechanisms of disease in this gene and are associated with APOE-related conditions. Gain of function has been suggested as the mechanism for Alzheimer disease and both gain of function and loss of function have been suggested as the mechanism for lipoprotein related conditions (PMIDs: 34058468, 33679311). (I) 0108 - This gene is associated with both recessive and dominant disease. (I) 0200 - Variant is predicted to result in a missense amino acid change from aspartic acid to asparagine. (I) 0219 - This variant is non-coding in an alternative transcript. This variant is only coding in the longest transcript (NM_001302688.1) but is non-coding in the ClinVar predominant and MANE select transcript NM_000041.3. The exon unique to NM_001302688.1 only has one variant in ClinVar which is classified as benign, and the expression of this transcript is generally lower than NM_000041.3 (GTex). (I) 0251 - This variant is heterozygous. (I) 0304 - Variant is present in gnomAD (v2) <0.01 for a condition (97 heterozygotes, 0 homozygotes). (SP) 0504 - Same amino acid change has been observed in placental mammals. (SB) 0604 - Variant is not located in an established domain, motif, hotspot or informative constraint region. (I) 0705 - No comparable missense variants have previous evidence for pathogenicity. (I) 0809 - Previous evidence of pathogenicity for this variant is inconclusive. This variant has been classified once as a VUS in LOVD. (I) 0905 - No published segregation evidence has been identified for this variant. (I) 1007 - No published functional evidence has been identified for this variant. (I) 1208 - Inheritance information for this variant is not currently available in this individual. (I) Legend: (SP) - Supporting pathogenic, (I) - Information, (SB) - Supporting benign

CENTOGENE GmbH and LLC - Guiding Precision Medicine
Classification: Uncertain significance for Alzheimer disease 2. Last evaluated: 2020-09-02. Review status: criteria provided, single submitter. Criteria: ACMG Guidelines, 2015. Collection method: clinical testing. Allele origin: germline.

PreventionGenetics, part of Exact Sciences
Classification: Likely benign for APOE-related condition. Last evaluated: 2023-12-12. Review status: no assertion criteria provided. Collection method: clinical testing. Allele origin: germline. Not counted in ClinVar's aggregate classification.
Comment: This variant is classified as likely benign based on ACMG/AMP sequence variant interpretation guidelines (Richards et al. 2015 PMID: 25741868, with internal and published modifications).

Literature cited by the submitters: PubMed 33679311 (cited by Victorian Clinical Genetics Services, Murdoch Childrens Research Institute); PubMed 34058468 (cited by Victorian Clinical Genetics Services, Murdoch Childrens Research Institute).